The following is an entry in ClinVar:

NM_002180.3(IGHMBP2):c.1060+8G>T

Gene: IGHMBP2 (immunoglobulin mu DNA binding protein 2; plus strand). Cytogenetic location: 11q13.3.
Variant type: single nucleotide variant.
Coding change: c.1060+8G>T on transcript NM_002180.3 (MANE Select); 8 bases into the intron after coding-DNA position 1060, G replaced by T.
Molecular consequence: intron variant.
Genome position (GRCh38, 1-based): chr11:68,917,891, G>T. VCF-style: chr11-68917891-G-T. GRCh37 (hg19) VCF-style: chr11-68685359-G-T.
Other names: p.?.
Identifiers: ClinVar variation 284364 (VCV000284364.99), dbSNP rs201147313, ClinGen allele CA6153487.

ClinVar aggregate classification (germline): Conflicting classifications of pathogenicity. Review status: criteria provided, conflicting classifications (1 of 4 stars). 10 submissions from 10 submitters: Uncertain significance (3); Benign (1); Likely benign (6). Last evaluated 2026-03-19.

Conditions:
IGHMBP2-related disorder. Also called: IGHMBP2-related condition; IGHMBP2-related disorders.
Charcot-Marie-Tooth disease. Also called: Charcot-Marie-Tooth Neuropathy; Charcot-Marie-Tooth Hereditary Neuropathy. Identifiers: Orphanet 166, MedGen C0007959, MONDO:0015626.
Charcot-Marie-Tooth disease axonal type 2S. Also called: CHARCOT-MARIE-TOOTH DISEASE, AXONAL, AUTOSOMAL RECESSIVE, TYPE 2S; CHARCOT-MARIE-TOOTH NEUROPATHY, TYPE 2S. Identifiers: Orphanet 443073, MedGen C4015349, MONDO:0014511, OMIM 616155.
Autosomal recessive distal spinal muscular atrophy 1. Also called: SEVERE INFANTILE AXONAL NEUROPATHY WITH RESPIRATORY FAILURE; SPINAL MUSCULAR ATROPHY, DIAPHRAGMATIC; Spinal muscular atrophy with respiratory distress 1; NEURONOPATHY, DISTAL HEREDITARY MOTOR, HARDING TYPE VI; NEUROPATHY, DISTAL HEREDITARY MOTOR, AUTOSOMAL RECESSIVE 1; HMN VI. Identifiers: Orphanet 98920, MedGen C1858517, MONDO:0011436, OMIM 604320.

Allele frequency attached by ClinVar (database versions not stated): 1000 Genomes Project 30x 0.00031; 1000 Genomes Project 0.00040; ExAC 0.00054; gnomAD exomes 0.00060 and 0.00118; gnomAD 0.00076; TOPMed 0.00082; ESP Exome Variant Server 0.00177.
gnomAD v4.1: 1,846 of 1,613,742 alleles (0.11%); highest among the groups gnomAD compares: Non-Finnish European, 0.14%; 2 homozygotes.

Submissions (11):

Women's Health and Genetics/Laboratory Corporation of America, LabCorp
Classification: Benign. Last evaluated: 2026-03-19. Review status: criteria provided, single submitter. Criteria: LabCorp Variant Classification Summary - May 2015. Collection method: clinical testing. Allele origin: germline.
Comment: Variant summary: IGHMBP2 c.1060+8G>T alters a nucleotide located at a position not widely known to affect splicing. Several computational tools predict a significant impact on normal splicing: Two predict the variant no significant impact on splicing. Three predict the variant creates a 5' donor site. However, these predictions have yet to be confirmed by functional studies. The variant allele was found at a frequency of 0.0011 in 1613742 control chromosomes, predominantly at a frequency of 0.0014 within the Non-Finnish European subpopulation in the gnomAD v4 database, including one homozygote. The observed variant frequency within Non-Finnish European control individuals in the gnomAD database exceeds the estimated maximal expected allele frequency for disease-causing variants in IGHMBP2. To our knowledge, no occurrence of c.1060+8G>T in individuals affected with IGHMBP2-related conditions and no experimental evidence demonstrating its impact on protein function have been reported. ClinVar contains an entry for this variant (Variation ID: 284364). Based on the evidence outlined above, the variant was classified as benign.

Labcorp Genetics (formerly Invitae), Labcorp
Classification: Likely benign for Autosomal recessive distal spinal muscular atrophy 1; Charcot-Marie-Tooth disease axonal type 2S. Last evaluated: 2026-01-28. Review status: criteria provided, single submitter. Criteria: Invitae Variant Classification Sherloc (09022015). Collection method: clinical testing. Allele origin: germline.

PreventionGenetics, part of Exact Sciences
Classification: Likely benign for IGHMBP2-related condition. Last evaluated: 2025-05-01. Review status: criteria provided, single submitter. Criteria: ACMG Guidelines, 2015. Collection method: clinical testing. Allele origin: germline.
Comment: This variant is classified as likely benign based on ACMG/AMP sequence variant interpretation guidelines (Richards et al. 2015 PMID: 25741868, with internal and published modifications).

Mayo Clinic Laboratories, Mayo Clinic
Classification: Likely benign. Last evaluated: 2024-10-11. Review status: criteria provided, single submitter. Criteria: ACMG Guidelines, 2015. Collection method: clinical testing. Allele origin: germline. Observed: 11 variant alleles.
Comment: BS1

CeGaT Center for Human Genetics Tuebingen
Classification: Uncertain significance. Last evaluated: 2024-05-01. Review status: criteria provided, single submitter. Criteria: CeGaT Center For Human Genetics Tuebingen Variant Classification Criteria Version 2. Collection method: clinical testing. Allele origin: germline. Affected: yes. Observed: 3 variant alleles.

ARUP Laboratories, Molecular Genetics and Genomics, ARUP Laboratories
Classification: Likely benign. Last evaluated: 2020-04-04. Review status: criteria provided, single submitter. Criteria: ARUP Molecular Germline Variant Investigation Process. Collection method: clinical testing. Allele origin: germline.

GeneDx
Classification: Likely benign. Last evaluated: 2018-01-29. Review status: criteria provided, single submitter. Criteria: GeneDx Variant Classification (06012015). Collection method: clinical testing. Allele origin: germline. Affected: yes.
Comment: This variant is considered likely benign or benign based on one or more of the following criteria: it is a conservative change, it occurs at a poorly conserved position in the protein, it is predicted to be benign by multiple in silico algorithms, and/or has population frequency not consistent with disease.

Illumina Laboratory Services, Illumina
Classification: Uncertain significance for Autosomal recessive distal spinal muscular atrophy 1. Last evaluated: 2018-01-13. Review status: criteria provided, single submitter. Criteria: ICSL Variant Classification Criteria 13 December 2019. Collection method: clinical testing. Allele origin: germline.

Eurofins Ntd Llc (ga)
Classification: Uncertain significance. Last evaluated: 2015-11-06. Review status: criteria provided, single submitter. Criteria: EGL Classification Definitions 2015. Collection method: clinical testing. Allele origin: germline. Observed: 1 variant allele, 1 heterozygote.

Molecular Genetics Laboratory, London Health Sciences Centre
Classification: Likely benign for Charcot-Marie-Tooth disease. Review status: criteria provided, single submitter. Criteria: ACMG Guidelines, 2015. Collection method: clinical testing. Allele origin: germline. Affected: yes.

Dr. Peter K. Rogan Lab, Western University
No classification provided (evidence only). Condition: Acute myeloid leukemia. Review status: no classification provided. Collection method: in vitro. Allele origin: not applicable. Functional consequence: retained intron. Not counted in ClinVar's aggregate classification.